The following is an entry in ClinVar:

NM_024422.6(DSC2):c.1888+2T>C

Gene: DSC2 (desmocollin 2; minus strand). Cytogenetic location: 18q12.1.
Variant type: single nucleotide variant.
Coding change: c.1888+2T>C on transcript NM_024422.6 (MANE Select); the canonical splice donor site of the intron after coding-DNA position 1888, T replaced by C.
Molecular consequence: splice donor variant.
Genome position (GRCh38, 1-based): chr18:31,074,681, A>G on the plus strand (T>C on the coding strand, the complement: DSC2 is on the minus strand). VCF-style: chr18-31074681-A-G. GRCh37 (hg19) VCF-style: chr18-28654647-A-G.
Other names: c.1888+2T>C (NM_004949.5); c.1459+2T>C (NM_001406506.1, NM_001406507.1).
Identifiers: ClinVar variation 2683755 (VCV002683755.1), dbSNP rs2510942619, ClinGen allele CA402113661.

ClinVar aggregate classification (germline): Likely pathogenic (1 of 4 stars; one submission).

Conditions:
Arrhythmogenic right ventricular dysplasia 11. Also called: Arrhythmogenic Right Ventricular Dysplasia/Cardiomyopathy11; ARRHYTHMOGENIC RIGHT VENTRICULAR DYSPLASIA, FAMILIAL, 11; Arrhythmogenic right ventricular dysplasia 11 with mild palmoplantar keratoderma and woolly hair. Identifiers: MedGen C1864850, MONDO:0012506, OMIM 610476.

Submission:

Diagnostics Services (NGS), CSIR - Centre For Cellular And Molecular Biology
Classification: Likely pathogenic for Arrhythmogenic right ventricular dysplasia 11. Last evaluated: 2023-12-27. Review status: criteria provided, single submitter. Criteria: ACMG Guidelines, 2015. Collection method: clinical testing. Allele origin: unknown. Observed: 1 variant allele, 1 heterozygote.
Comment: The c.1888+2T>C variant is not present in publicly available population databases like 1000 Genomes, EVS, ExAC, gnomAD, Indian Exome Database or our in-house exome database. This variant has neither been published in literature with DSC2-related conditions nor reported to the clinical databases like Human Genome Mutation Database (HGMD), ClinVar or OMIM, in any affected individuals. Algorithms developed to predict the effect of sequence changes on RNA splicing suggest that this variant can disrupt the consensus splice site. In-silico pathogenicity prediction programs like MutationTaster2, CADD, Varsome, Franklin, HSF3.1 etc predicted this variant to be likely deleterious by affecting mRNA splicing however these predictions were not confirmed by published translational studies.